The following is an entry in ClinVar:

GRCh37/hg19 13q12.3-13.2(chr13:28925153-34061696)x1

Genes: ALOX5AP (arachidonate 5-lipoxygenase activating protein; plus strand), B3GLCT (beta 3-glucosyltransferase; plus strand), BRCA2 (BRCA2 DNA repair associated; plus strand), FLT1 (fms related receptor tyrosine kinase 1; minus strand), FRY (FRY microtubule binding protein; plus strand) and 19 more. Cytogenetic location: 13q12.3-13.2.
Variant type: copy number loss.
Change: copy number 1 (one copy instead of two) of chr13:28,925,153-34,061,696 (5.14 Mb, GRCh37 coordinates, 1-based), cytogenetic band 13q12.3-13.2.
Identifiers: ClinVar variation 1180526 (VCV001180526.4).

ClinVar aggregate classification (germline): Pathogenic (1 of 4 stars; one submission).

Submission:

Illumina Laboratory Services, Illumina
Classification: Pathogenic. Last evaluated: 2020-01-29. Review status: criteria provided, single submitter. Criteria: ICSL CNVClassificationCriteria Jul2020Prior. Collection method: clinical testing. Allele origin: unknown.
Comment: This CNV is a 5.1 Mb deletion of 13q12.3-q13.2, on chromosome 13, (seq[GRCh37]del(13)( 13q12.3q13.2); chr13:g.28925153_34061696del) of unknown inheritance. This CNV constitutes a loss encompassing 45 genes. At least four de novo deletions in the 13q12.3 region have been identified in individuals presenting with developmental delay, intellectual disability, language impairment, atopic dermatitis, hyperactivity, and variable dysmorphic features including malar flattening, prominent nose with underdeveloped alae nasi, smooth philtrum, and thin vermillion of the upper lip. Additional features in these individuals included hearing loss, camptodactyly, hypothyroidism, hip dysplasia, congenital hernia of diaphragm, cryptorchidism, and abnormal brain MRI (Bartholdi et al. 2014; D'Angelo et al. 2018). The proximal and distal breakpoints of the CNVs were clustered and the deletions spanned in size from 1.4 to 4.4 Mb. A 300 kb region harboring three genes, namely, KATNAL1, HMGB1, and the non-protein coding RNA LINC00426 has been implicated as the critical region (Mandrile et al. 2014). Additionally, there are several patients with deletions in this region in the DECIPHER database who are noted to display overlapping phenotypic features, including intellectual disability, language delay, microcephaly, and facial dysmorphisms. In particular, one overlapping loss of similar size (5.2 Mb) was reported in an individual with hypertelorism, intellectual disability, short stature, abnormal vertebral morphology, pectus excavatum, webbed neck, and constipation (Firth et al. 2009). This CNV has not been reported in controls. Based on the collective evidence, this CNV is classified as pathogenic.

Literature cited by the submitters: PubMed 19344873; PubMed 24664804; PubMed 25506442; PubMed 29441128.